The following is an entry in ClinVar:

NM_001382347.1(MYO5A):c.5471C>T (p.Ser1824Leu)

Gene: MYO5A (myosin VA; minus strand). Cytogenetic location: 15q21.2.
Variant type: single nucleotide variant.
Coding change: c.5471C>T on transcript NM_001382347.1 (MANE Select); coding-DNA position 5471, C replaced by T.
Protein change: p.Ser1824Leu; replaces serine 1824 with leucine.
Molecular consequence: missense variant.
Genome position (GRCh38, 1-based): chr15:52,314,142, G>A on the plus strand (C>T on the coding strand, the complement: MYO5A is on the minus strand). VCF-style: chr15-52314142-G-A. GRCh37 (hg19) VCF-style: chr15-52606339-G-A.
Other names: c.5396C>T, p.Ser1799Leu (NM_000259.3); c.5315C>T, p.Ser1772Leu (NM_001142495.2); c.5543C>T, p.Ser1848Leu (NM_001382348.1); c.5468C>T, p.Ser1823Leu (NM_001382349.1); short protein forms S1772L, S1799L, S1823L, S1824L, S1848L.
Identifiers: ClinVar variation 764740 (VCV000764740.7), dbSNP rs199675131, ClinGen allele CA7567875.

ClinVar aggregate classification (germline): Benign. Review status: criteria provided, single submitter (1 of 4 stars). 2 submissions from 2 submitters: Benign (1). 1 of the submissions does not count toward it. Last evaluated 2025-03-27.

Conditions:
MYO5A-related disorder. Also called: MYO5A-related condition.

Allele frequency attached by ClinVar (database versions not stated): TOPMed 0.00001; gnomAD exomes 0.00034 and 0.00070; gnomAD 0.00043 and 0.00044; ExAC 0.00047.
gnomAD v4.1: 557 of 1,609,896 alleles (0.035%); highest among the groups gnomAD compares: South Asian, 0.0066%; 2 homozygotes.

Submissions (2):

Labcorp Genetics (formerly Invitae), Labcorp
Classification: Benign. Last evaluated: 2025-03-27. Review status: criteria provided, single submitter. Criteria: Invitae Variant Classification Sherloc (09022015). Collection method: clinical testing. Allele origin: germline.

PreventionGenetics, part of Exact Sciences
Classification: Likely benign for MYO5A-related condition. Last evaluated: 2021-06-02. Review status: no assertion criteria provided. Collection method: clinical testing. Allele origin: germline. Not counted in ClinVar's aggregate classification.
Comment: This variant is classified as likely benign based on ACMG/AMP sequence variant interpretation guidelines (Richards et al. 2015 PMID: 25741868, with internal and published modifications).